The following is an entry in ClinVar:

ClinVar aggregate classification (germline): Uncertain significance (1 of 4 stars; one submission).

Conditions:
Immunodeficiency 51 (IMD51). Also called: CANDIDIASIS, FAMILIAL, 5. Identifiers: Orphanet 1334, MedGen C4310803, MONDO:0013500, OMIM 613953.

Allele frequency attached by ClinVar (database versions not stated): gnomAD 0.00001; gnomAD exomes 0.00003 and 0.00008; ExAC 0.00010.
gnomAD v4.1: 40 of 1,613,906 alleles (0.0025%); highest among the groups gnomAD compares: South Asian, 0.043%; 1 homozygote.

Submission:

Labcorp Genetics (formerly Invitae), Labcorp
Classification: Uncertain significance for Immunodeficiency 51. Last evaluated: 2023-11-28. Review status: criteria provided, single submitter. Criteria: Invitae Variant Classification Sherloc (09022015). Collection method: clinical testing. Allele origin: germline.
Comment: This sequence change replaces lysine, which is basic and polar, with glutamine, which is neutral and polar, at codon 397 of the IL17RA protein (p.Lys397Gln). This variant is present in population databases (rs772488643, gnomAD 0.06%). This variant has not been reported in the literature in individuals affected with IL17RA-related conditions. ClinVar contains an entry for this variant (Variation ID: 1433121). Advanced modeling of protein sequence and biophysical properties (such as structural, functional, and spatial information, amino acid conservation, physicochemical variation, residue mobility, and thermodynamic stability) performed at Invitae indicates that this missense variant is expected to disrupt IL17RA protein function with a positive predictive value of 80%. In summary, the available evidence is currently insufficient to determine the role of this variant in disease. Therefore, it has been classified as a Variant of Uncertain Significance.

NM_014339.7(IL17RA):c.1189A>C (p.Lys397Gln)

Gene: IL17RA (interleukin 17 receptor A; plus strand). Cytogenetic location: 22q11.1.
Variant type: single nucleotide variant.
Coding change: c.1189A>C on transcript NM_014339.7 (MANE Select); coding-DNA position 1189, A replaced by C.
Protein change: p.Lys397Gln; replaces lysine 397 with glutamine.
Molecular consequence: missense variant.
Genome position (GRCh38, 1-based): chr22:17,108,408, A>C. VCF-style: chr22-17108408-A-C. GRCh37 (hg19) VCF-style: chr22-17589298-A-C.
Other names: c.1087A>C, p.Lys363Gln (NM_001289905.2); short protein forms K397Q, K363Q.
Identifiers: ClinVar variation 1433121 (VCV001433121.8), dbSNP rs772488643, ClinGen allele CA10086698.
Genomic context (GRCh38, chr22:17,108,408, plus strand): 5'-CCCAGGAAGGTCTGGATCATCTACTCAGCCGACCACCCCCTCTACGTGGACGTGGTCCTG[A>C]AATTCGCCCAGTTCCTGCTCACCGCCTGCGGCACGGAAGTGGCCCTGGACCTGCTGGAAG-3'
Protein context (NP_055154.3, residues 387-407): DHPLYVDVVL[Lys397Gln]FAQFLLTACG